The following is an entry in ClinVar:

ClinVar aggregate classification (germline): Uncertain significance. Review status: criteria provided, multiple submitters, no conflicts (2 of 4 stars). 3 submissions from 3 submitters: Uncertain significance (3). Last evaluated 2025-03-11.

Conditions:
Hereditary cancer-predisposing syndrome. Also called: Neoplastic Syndromes, Hereditary; Tumor predisposition; Hereditary Cancer Syndrome; Hereditary neoplastic syndrome. Identifiers: Orphanet 140162, MedGen C0027672, MeSH D009386, MONDO:0015356.
Familial adenomatous polyposis 1 (FAP1). Also called: FAMILIAL ADENOMATOUS POLYPOSIS 1, ATTENUATED; POLYPOSIS, ADENOMATOUS INTESTINAL. Identifiers: MedGen C2713442, MONDO:0021056, OMIM 175100. Disease mechanism: loss of function.

gnomAD v4.1: 1 of 1,613,766 alleles (0.000062%); highest among the groups gnomAD compares: Non-Finnish European, 0.000085%; no homozygotes.

Submissions (3):

Ambry Genetics
Classification: Uncertain significance for Hereditary cancer-predisposing syndrome. Last evaluated: 2025-03-11. Review status: criteria provided, single submitter. Criteria: Ambry Variant Classification Scheme 2023. Collection method: clinical testing. Allele origin: germline.
Comment: The p.D1868A variant (also known as c.5603A>C), located in coding exon 15 of the APC gene, results from an A to C substitution at nucleotide position 5603. The aspartic acid at codon 1868 is replaced by alanine, an amino acid with dissimilar properties. This amino acid position is highly conserved in available vertebrate species. In addition, in silico predictors for this gene do not accurately predict pathogenicity. Missense alterations in APC are not a common cause of disease (Spier I et al. Genet Med. 2024 Feb;26(2):100992). Since supporting evidence is limited at this time, the clinical significance of this alteration remains unclear.

Labcorp Genetics (formerly Invitae), Labcorp
Classification: Uncertain significance for Familial adenomatous polyposis 1. Last evaluated: 2024-05-14. Review status: criteria provided, single submitter. Criteria: Invitae Variant Classification Sherloc (09022015). Collection method: clinical testing. Allele origin: germline.
Comment: This sequence change replaces aspartic acid, which is acidic and polar, with alanine, which is neutral and non-polar, at codon 1868 of the APC protein (p.Asp1868Ala). This variant is not present in population databases (gnomAD no frequency). This variant has not been reported in the literature in individuals affected with APC-related conditions. ClinVar contains an entry for this variant (Variation ID: 926058). Advanced modeling of protein sequence and biophysical properties (such as structural, functional, and spatial information, amino acid conservation, physicochemical variation, residue mobility, and thermodynamic stability) performed at Invitae indicates that this missense variant is not expected to disrupt APC protein function with a negative predictive value of 95%. In summary, the available evidence is currently insufficient to determine the role of this variant in disease. Therefore, it has been classified as a Variant of Uncertain Significance.

Color Diagnostics, LLC DBA Color Health
Classification: Uncertain significance for Hereditary cancer-predisposing syndrome. Last evaluated: 2023-12-04. Review status: criteria provided, single submitter. Criteria: ACMG Guidelines, 2015. Collection method: clinical testing. Allele origin: germline.
Comment: This missense variant replaces aspartic acid with alanine at codon 1868 of the APC protein. Computational prediction suggests that this variant may not impact protein structure and function (internally defined REVEL score threshold <= 0.5, PMID: 27666373). To our knowledge, functional studies have not been reported for this variant. This variant has not been reported in individuals affected with APC-related disorders in the literature. This variant has not been identified in the general population by the Genome Aggregation Database (gnomAD). The available evidence is insufficient to determine the role of this variant in disease conclusively. Therefore, this variant is classified as a Variant of Uncertain Significance.

NM_000038.6(APC):c.5603A>C (p.Asp1868Ala)

Gene: APC (APC regulator of Wnt signaling pathway; plus strand). Cytogenetic location: 5q22.2.
Variant type: single nucleotide variant.
Coding change: c.5603A>C on transcript NM_000038.6 (MANE Select); coding-DNA position 5603, A replaced by C.
Protein change: p.Asp1868Ala; replaces aspartic acid 1868 with alanine.
Molecular consequence: missense variant.
Genome position (GRCh38, 1-based): chr5:112,841,197, A>C. VCF-style: chr5-112841197-A-C. GRCh37 (hg19) VCF-style: chr5-112176894-A-C.
Other names: c.5603A>C, p.Asp1868Ala (NM_001127510.3, NM_001354895.2); c.5549A>C, p.Asp1850Ala (NM_001127511.3); c.5657A>C, p.Asp1886Ala (NM_001354896.2); c.5633A>C, p.Asp1878Ala (NM_001354897.2); c.5528A>C, p.Asp1843Ala (NM_001354898.2); c.5519A>C, p.Asp1840Ala (NM_001354899.2); c.5480A>C, p.Asp1827Ala (NM_001354900.2); c.5426A>C, p.Asp1809Ala (NM_001354901.2); and 5 more; short protein forms D1585A, D1742A, D1777A, D1809A, D1767A, D1840A, D1850A, D1868A.
Identifiers: ClinVar variation 926058 (VCV000926058.12), dbSNP rs781026376, ClinGen allele CA16033594.
Genomic context (GRCh38, chr5:112,841,197, plus strand): 5'-CTATTGAAGGAACTCCTTACTGTTTTTCACGAAATGATTCTTTGAGTTCTCTAGATTTTG[A>C]TGATGATGATGTTGACCTTTCCAGGGAAAAGGCTGAATTAAGAAAGGCAAAAGAAAATAA-3'
Protein context (NP_000029.2, residues 1858-1878): RNDSLSSLDF[Asp1868Ala]DDDVDLSREK